The following is an entry in ClinVar:

NM_021830.5(TWNK):c.967C>T (p.Arg323Ter)

Gene: TWNK (twinkle mtDNA helicase; plus strand). Cytogenetic location: 10q24.31.
Variant type: single nucleotide variant.
Coding change: c.967C>T on transcript NM_021830.5 (MANE Select); coding-DNA position 967, C replaced by T.
Protein change: p.Arg323Ter; replaces arginine 323 with a stop codon.
Molecular consequence: nonsense. On other transcripts: non-coding transcript variant (4), intron variant (3).
Genome position (GRCh38, 1-based): chr10:100,989,177, C>T. VCF-style: chr10-100989177-C-T. GRCh37 (hg19) VCF-style: chr10-102748934-C-T.
Other names: p.R323*:CGA>TGA; c.967C>T, p.Arg323Ter (NM_001163812.2); c.-119-467C>T (NM_001163814.2, NM_001163813.2); c.-57-529C>T (NM_001368275.1); short protein forms R323*.
Identifiers: ClinVar variation 214183 (VCV000214183.14), dbSNP rs863223919, ClinGen allele CA323373.

ClinVar aggregate classification (germline): Pathogenic/Likely pathogenic. Review status: criteria provided, multiple submitters, no conflicts (2 of 4 stars). 4 submissions from 4 submitters: Pathogenic (3); Likely pathogenic (1). Last evaluated 2025-03-08.

Conditions:
Infantile onset spinocerebellar ataxia (MTDPS7). Also called: Mitochondrial DNA depletion syndrome 7 (hepatocerebral type); OHAHA SYNDROME; SPINOCEREBELLAR ATAXIA, INFANTILE, WITH SENSORY NEUROPATHY; OPHTHALMOPLEGIA, HYPOTONIA, ATAXIA, HYPOACUSIS, AND ATHETOSIS. Identifiers: Orphanet 1186, MedGen C1849096, MONDO:0010060, OMIM 271245.

Allele frequency attached by ClinVar (database versions not stated): gnomAD exomes 0.00001.

Submissions (4):

Labcorp Genetics (formerly Invitae), Labcorp
Classification: Pathogenic. Last evaluated: 2025-03-08. Review status: criteria provided, single submitter. Criteria: Invitae Variant Classification Sherloc (09022015). Collection method: clinical testing. Allele origin: germline.
Comment: This sequence change creates a premature translational stop signal (p.Arg323*) in the TWNK gene. It is expected to result in an absent or disrupted protein product. Loss-of-function variants in TWNK are known to be pathogenic (PMID: 21681116, 27551684, 31455392). This variant is present in population databases (no rsID available, gnomAD 0.02%). This variant has not been reported in the literature in individuals affected with TWNK-related conditions. ClinVar contains an entry for this variant (Variation ID: 214183). For these reasons, this variant has been classified as Pathogenic.

Women's Health and Genetics/Laboratory Corporation of America, LabCorp
Classification: Pathogenic for Infantile onset spinocerebellar ataxia. Last evaluated: 2024-03-20. Review status: criteria provided, single submitter. Criteria: LabCorp Variant Classification Summary - May 2015. Collection method: clinical testing. Allele origin: germline.
Comment: Variant summary: TWNK c.967C>T (p.Arg323X) results in a premature termination codon, predicted to cause a truncation of the encoded protein or absence of the protein due to nonsense mediated decay, which are commonly known mechanisms for disease. The variant allele was found at a frequency of 1.2e-05 in 251362 control chromosomes (gnomAD). To our knowledge, no occurrence of c.967C>T in individuals affected with Infantile Onset Spinocerebellar Ataxia and no experimental evidence demonstrating its impact on protein function have been reported. ClinVar contains an entry for this variant (Variation ID: 214183). Based on the evidence outlined above, the variant was classified as pathogenic.

GeneDx
Classification: Likely pathogenic. Last evaluated: 2020-12-14. Review status: criteria provided, single submitter. Criteria: GeneDx Variant Classification Process June 2021. Collection method: clinical testing. Allele origin: germline. Affected: yes.
Comment: Nonsense variant predicted to result in protein truncation or nonsense mediated decay in a gene for which loss-of-function is a known mechanism of disease; Has not been previously published as pathogenic or benign to our knowledge

Revvity Omics, Revvity
Classification: Pathogenic. Last evaluated: 2019-06-26. Review status: criteria provided, single submitter. Criteria: ACMG Guidelines, 2015. Collection method: clinical testing. Allele origin: germline.

Literature cited by the submitters: PubMed 21681116 (cited by Labcorp Genetics (formerly Invitae), Labcorp); PubMed 27551684 (cited by Labcorp Genetics (formerly Invitae), Labcorp); PubMed 31455392 (cited by Labcorp Genetics (formerly Invitae), Labcorp).